The following is an entry in ClinVar:

NM_004064.5(CDKN1B):c.475+4A>G

Gene: CDKN1B (cyclin dependent kinase inhibitor 1B; plus strand). Cytogenetic location: 12p13.1.
Variant type: single nucleotide variant.
Coding change: c.475+4A>G on transcript NM_004064.5 (MANE Select); 4 bases into the intron after coding-DNA position 475, A replaced by G.
Molecular consequence: intron variant.
Genome position (GRCh38, 1-based): chr12:12,718,318, A>G. VCF-style: chr12-12718318-A-G. GRCh37 (hg19) VCF-style: chr12-12871252-A-G.
Identifiers: ClinVar variation 3688660 (VCV003688660.2).

ClinVar aggregate classification (germline): Uncertain significance (1 of 4 stars; one submission).

Conditions:
Multiple endocrine neoplasia type 4. Also called: MULTIPLE ENDOCRINE NEOPLASIA, TYPE IV. Identifiers: Orphanet 276152, MedGen C1970712, MONDO:0012552, OMIM 610755.

Submission:

Labcorp Genetics (formerly Invitae), Labcorp
Classification: Uncertain significance for Multiple endocrine neoplasia type 4. Last evaluated: 2024-04-24. Review status: criteria provided, single submitter. Criteria: Invitae Variant Classification Sherloc (09022015). Collection method: clinical testing. Allele origin: germline.
Comment: This sequence change falls in intron 1 of the CDKN1B gene. It does not directly change the encoded amino acid sequence of the CDKN1B protein. It affects a nucleotide within the consensus splice site. This variant is not present in population databases (gnomAD no frequency). This variant has not been reported in the literature in individuals affected with CDKN1B-related conditions. Variants that disrupt the consensus splice site are a relatively common cause of aberrant splicing (PMID: 17576681, 9536098). RNA analysis provides insufficient evidence to determine the effect of this variant on CDKN1B splicing (Invitae). In summary, the available evidence is currently insufficient to determine the role of this variant in disease. Therefore, it has been classified as a Variant of Uncertain Significance.

Literature cited by the submitters: PubMed 17576681; PubMed 9536098.